The following is an entry in ClinVar:

NM_001369.3(DNAH5):c.3962T>G (p.Val1321Gly)

Genes: DNAH5 (dynein axonemal heavy chain 5; minus strand), DNAH5-AS1 (DNAH5 antisense RNA 1; plus strand). Cytogenetic location: 5p15.2.
Variant type: single nucleotide variant.
Coding change: c.3962T>G on transcript NM_001369.3 (MANE Select); coding-DNA position 3962, T replaced by G.
Protein change: p.Val1321Gly; replaces valine 1321 with glycine.
Molecular consequence: missense variant.
Genome position (GRCh38, 1-based): chr5:13,867,865, A>C on the plus strand (T>G on the coding strand, the complement: DNAH5 is on the minus strand). VCF-style: chr5-13867865-A-C. GRCh37 (hg19) VCF-style: chr5-13867974-A-C.
Other names: short protein forms V1321G.
Identifiers: ClinVar variation 1736531 (VCV001736531.2), dbSNP rs1189762101, ClinGen allele CA359228823.

ClinVar aggregate classification (germline): Uncertain significance (1 of 4 stars; one submission).

Conditions:
Primary ciliary dyskinesia. Also called: Ciliary dyskinesia. Identifiers: Orphanet 244, MedGen C0008780, MONDO:0016575, HP:0012265.

Allele frequency attached by ClinVar (database versions not stated): gnomAD 0.00001; gnomAD exomes 0.00001; TOPMed 0.00001.
gnomAD v4.1: 20 of 1,613,984 alleles (0.0012%); highest among the groups gnomAD compares: Non-Finnish European, 0.0017%; no homozygotes.

Submission:

Ambry Genetics
Classification: Uncertain significance for Primary ciliary dyskinesia. Last evaluated: 2015-10-20. Review status: criteria provided, single submitter. Criteria: Ambry Variant Classification Scheme 2023. Collection method: clinical testing. Allele origin: germline.
Comment: The p.V1321G variant (also known as c.3962T>G), located in coding exon 25 of the DNAH5 gene, results from a T to G substitution at nucleotide position 3962. The valine at codon 1321 is replaced by glycine, an amino acid with dissimilar properties. This variant was not reported in population based cohorts in the following databases: Database of Single Nucleotide Polymorphisms (dbSNP), NHLBI Exome Sequencing Project (ESP), and 1000 Genomes Project. In the ESP, this variant was not observed in 6503 samples (13006 alleles) with coverage at this position. This amino acid position is not well conserved in available vertebrate species. In addition, this alteration is predicted to be tolerated by in silico analysis. Since supporting evidence is limited at this time, the clinical significance of this variant remains unclear.